The following is an entry in ClinVar:

ClinVar aggregate classification (germline): Conflicting classifications of pathogenicity. Review status: criteria provided, conflicting classifications (1 of 4 stars). 3 submissions from 3 submitters: Uncertain significance (2); Likely benign (1). Last evaluated 2025-12-16.

Allele frequency attached by ClinVar (database versions not stated): ExAC 0.00058; TOPMed 0.00058; ESP Exome Variant Server 0.00062; gnomAD exomes 0.00102.
gnomAD v4.1: 1,552 of 1,613,290 alleles (0.096%); highest among the groups gnomAD compares: Non-Finnish European, 0.13%; 1 homozygote.

Submissions (3):

Labcorp Genetics (formerly Invitae), Labcorp
Classification: Likely benign. Last evaluated: 2025-12-16. Review status: criteria provided, single submitter. Criteria: Invitae Variant Classification Sherloc (09022015). Collection method: clinical testing. Allele origin: germline.

GeneDx
Classification: Uncertain significance. Last evaluated: 2025-06-11. Review status: criteria provided, single submitter. Criteria: GeneDx Variant Classification Process June 2021. Collection method: clinical testing. Allele origin: germline. Affected: yes.
Comment: In silico analysis supports that this missense variant has a deleterious effect on protein structure/function; Has not been previously published as pathogenic or benign to our knowledge

Blueprint Genetics
Classification: Uncertain significance. Last evaluated: 2024-11-13. Review status: criteria provided, single submitter. Criteria: ACMG Guidelines, 2015. Collection method: clinical testing. Allele origin: germline.

NM_001025616.3(ARHGAP24):c.200G>A (p.Gly67Glu)

Gene: ARHGAP24 (Rho GTPase activating protein 24; plus strand). Cytogenetic location: 4q21.23.
Variant type: single nucleotide variant.
Coding change: c.200G>A on transcript NM_001025616.3 (MANE Select); coding-DNA position 200, G replaced by A.
Protein change: p.Gly67Glu; replaces glycine 67 with glutamic acid.
Molecular consequence: missense variant.
Genome position (GRCh38, 1-based): chr4:85,721,904, G>A. VCF-style: chr4-85721904-G-A. GRCh37 (hg19) VCF-style: chr4-86643057-G-A.
Other names: c.200G>A (NM_001025616.2); short protein forms G67E.
Identifiers: ClinVar variation 2044759 (VCV002044759.6), dbSNP rs144785317, ClinGen allele CA2994352.